The following is an entry in ClinVar:

NM_001005242.3(PKP2):c.1565G>T (p.Ser522Ile)

Gene: PKP2 (plakophilin 2; minus strand). Cytogenetic location: 12p11.21.
Variant type: single nucleotide variant.
Coding change: c.1565G>T on transcript NM_001005242.3 (MANE Select); coding-DNA position 1565, G replaced by T.
Protein change: p.Ser522Ile; replaces serine 522 with isoleucine.
Molecular consequence: missense variant.
Genome position (GRCh38, 1-based): chr12:32,824,154, C>A on the plus strand (G>T on the coding strand, the complement: PKP2 is on the minus strand). VCF-style: chr12-32824154-C-A. GRCh37 (hg19) VCF-style: chr12-32977088-C-A.
Other names: c.1697G>T, p.Ser566Ile (NM_004572.4); short protein forms S522I, S566I.
Identifiers: ClinVar variation 1009991 (VCV001009991.8), dbSNP rs1478657141, ClinGen allele CA384365072.

ClinVar aggregate classification (germline): Uncertain significance (1 of 4 stars; one submission).

Conditions:
Arrhythmogenic right ventricular dysplasia 9 (ARVD9). Also called: Arrhythmogenic Right Ventricular Dysplasia/Cardiomyopathy 9; ARRHYTHMOGENIC RIGHT VENTRICULAR DYSPLASIA, FAMILIAL, 9. Identifiers: MedGen C1836906, MONDO:0012180, OMIM 609040.

Allele frequency attached by ClinVar (database versions not stated): gnomAD exomes below 0.00001.
gnomAD v4.1: 1 of 1,608,840 alleles (0.000062%); highest among the groups gnomAD compares: African/African-American, 0.0013%; no homozygotes.

Submission:

Labcorp Genetics (formerly Invitae), Labcorp
Classification: Uncertain significance for Arrhythmogenic right ventricular dysplasia 9. Last evaluated: 2020-08-14. Review status: criteria provided, single submitter. Criteria: Invitae Variant Classification Sherloc (09022015). Collection method: clinical testing. Allele origin: germline.
Comment: In summary, the available evidence is currently insufficient to determine the role of this variant in disease. Therefore, it has been classified as a Variant of Uncertain Significance. Algorithms developed to predict the effect of missense changes on protein structure and function (SIFT, PolyPhen-2, Align-GVGD) all suggest that this variant is likely to be disruptive, but these predictions have not been confirmed by published functional studies and their clinical significance is uncertain. This variant has not been reported in the literature in individuals with PKP2-related conditions. This variant is not present in population databases (ExAC no frequency). This sequence change replaces serine with isoleucine at codon 566 of the PKP2 protein (p.Ser566Ile). The serine residue is highly conserved and there is a large physicochemical difference between serine and isoleucine.